The following is an entry in ClinVar:

ClinVar aggregate classification (germline): Likely benign (0 of 4 stars; one submission).

Conditions:
PCSK1-related disorder. Also called: PCSK1-related condition.

gnomAD v4.1: 6 of 1,614,154 alleles (0.00037%); highest among the groups gnomAD compares: Non-Finnish European, 0.00042%; no homozygotes.

Submission:

PreventionGenetics, part of Exact Sciences
Classification: Likely benign for PCSK1-related condition. Last evaluated: 2022-09-23. Review status: no assertion criteria provided. Collection method: clinical testing. Allele origin: germline.
Comment: This variant is classified as likely benign based on ACMG/AMP sequence variant interpretation guidelines (Richards et al. 2015 PMID: 25741868, with internal and published modifications).

NM_000439.5(PCSK1):c.732T>C (p.Ile244=)

Genes: CAST (calpastatin; plus strand), PCSK1 (proprotein convertase subtilisin/kexin type 1; minus strand), LOC101929710 (uncharacterized LOC101929710; plus strand). Cytogenetic location: 5q15.
Variant type: single nucleotide variant.
Coding change: c.732T>C on transcript NM_000439.5 (MANE Select); coding-DNA position 732, T replaced by C.
Protein change: p.Ile244=; no amino-acid change (isoleucine 244 retained).
Molecular consequence: synonymous variant. On other transcripts: intron variant (11).
Genome position (GRCh38, 1-based): chr5:96,412,468, A>G on the plus strand (T>C on the coding strand, the complement: PCSK1 is on the minus strand). VCF-style: chr5-96412468-A-G. GRCh37 (hg19) VCF-style: chr5-95748172-A-G.
Other names: c.-175+32816A>G (NM_001423256.1, NM_001423252.1, NM_001423257.1 and 6 more transcripts); c.-40+32816A>G (NM_001423258.1); c.591T>C, p.Ile197= (NM_001177875.2); c.-103+32816A>G (NM_001423253.1).
Identifiers: ClinVar variation 3353753 (VCV003353753.1).